The following is an entry in ClinVar:

ClinVar aggregate classification (germline): Benign/Likely benign. Review status: criteria provided, multiple submitters, no conflicts (2 of 4 stars). 3 submissions from 3 submitters: Benign (2); Likely benign (1). Last evaluated 2025-04-28.

Conditions:
Spastic paraplegia. Identifiers: MedGen C0037772, HP:0001258.
Hereditary spastic paraplegia 13 (SPG13). Also called: SPASTIC PARAPLEGIA 13, AUTOSOMAL DOMINANT; Spastic paraplegia 13. Identifiers: Orphanet 100994, MedGen C1854467, MONDO:0011532, OMIM 605280.

Allele frequency attached by ClinVar (database versions not stated): gnomAD 0.00005 and 0.00013; TOPMed 0.00011; gnomAD exomes 0.00028 and 0.00038; ExAC 0.00042; 1000 Genomes Project 30x 0.00062; 1000 Genomes Project 0.00080.
gnomAD v4.1: 422 of 1,613,092 alleles (0.026%); highest among the groups gnomAD compares: East Asian, 0.93%; 3 homozygotes.

Submissions (3):

Labcorp Genetics (formerly Invitae), Labcorp
Classification: Benign for Spastic paraplegia. Last evaluated: 2025-04-28. Review status: criteria provided, single submitter. Criteria: Invitae Variant Classification Sherloc (09022015). Collection method: clinical testing. Allele origin: germline.

Blueprint Genetics
Classification: Likely benign. Last evaluated: 2022-02-18. Review status: criteria provided, single submitter. Criteria: ACMG Guidelines, 2015. Collection method: clinical testing. Allele origin: germline.

Illumina Laboratory Services, Illumina
Classification: Benign for Hereditary spastic paraplegia 13. Last evaluated: 2018-01-13. Review status: criteria provided, single submitter. Criteria: ICSL Variant Classification Criteria 13 December 2019. Collection method: clinical testing. Allele origin: germline.
Comment: This variant was observed in the ICSL laboratory as part of a predisposition screen in an ostensibly healthy population. It had not been previously curated by ICSL or reported in the Human Gene Mutation Database (HGMD: prior to June 1st, 2018), and was therefore a candidate for classification through an automated scoring system. Utilizing variant allele frequency, disease prevalence and penetrance estimates, and inheritance mode, an automated score was calculated to assess if this variant is too frequent to cause the disease. Based on the score and internal cut-off values, a variant classified as benign is not then subjected to further curation. The score for this variant resulted in a classification of benign for this disease.

NM_002156.5(HSPD1):c.1446T>C (p.Asn482=)

Gene: HSPD1 (heat shock protein family D (Hsp60) member 1; minus strand). Cytogenetic location: 2q33.1.
Variant type: single nucleotide variant.
Coding change: c.1446T>C on transcript NM_002156.5 (MANE Select); coding-DNA position 1446, T replaced by C.
Protein change: p.Asn482=; no amino-acid change (asparagine 482 retained).
Molecular consequence: synonymous variant.
Genome position (GRCh38, 1-based): chr2:197,487,981, A>G on the plus strand (T>C on the coding strand, the complement: HSPD1 is on the minus strand). VCF-style: chr2-197487981-A-G. GRCh37 (hg19) VCF-style: chr2-198352705-A-G.
Other names: c.1446T>C, p.Asn482= (NM_199440.2).
Identifiers: ClinVar variation 333306 (VCV000333306.15), dbSNP rs2303884, ClinGen allele CA2043360.